The following is an entry in ClinVar:

NM_177438.3(DICER1):c.4226C>T (p.Ala1409Val)

Gene: DICER1 (dicer 1, ribonuclease III; minus strand). Cytogenetic location: 14q32.13.
Variant type: single nucleotide variant.
Coding change: c.4226C>T on transcript NM_177438.3 (MANE Select); coding-DNA position 4226, C replaced by T.
Protein change: p.Ala1409Val; replaces alanine 1409 with valine.
Molecular consequence: missense variant.
Genome position (GRCh38, 1-based): chr14:95,096,694, G>A on the plus strand (C>T on the coding strand, the complement: DICER1 is on the minus strand). VCF-style: chr14-95096694-G-A. GRCh37 (hg19) VCF-style: chr14-95563031-G-A.
Other names: c.4226C>T, p.Ala1409Val (NM_001195573.1, NM_001271282.3, NM_001291628.2 and 1 more transcripts); short protein forms A1409V.
Identifiers: ClinVar variation 959100 (VCV000959100.16), dbSNP rs776416084, ClinGen allele CA390869822.

ClinVar aggregate classification (germline): Uncertain significance. Review status: criteria provided, multiple submitters, no conflicts (2 of 4 stars). 3 submissions from 3 submitters: Uncertain significance (2). 1 of the submissions does not count toward it. Last evaluated 2025-12-21.

Conditions:
DICER1-related tumor predisposition. Also called: DICER1 syndrome; DICER1-related pleuropulmonary blastoma cancer predisposition syndrome. Identifiers: Orphanet 284343, MedGen C3839822, MONDO:0100216.
Hereditary cancer-predisposing syndrome. Also called: Hereditary neoplastic syndrome; Tumor predisposition; Neoplastic Syndromes, Hereditary; Hereditary Cancer Syndrome. Identifiers: Orphanet 140162, MedGen C0027672, MeSH D009386, MONDO:0015356.
DICER1-related disorder. Also called: DICER1-related condition.

Allele frequency attached by ClinVar (database versions not stated): TOPMed 0.00001.
gnomAD v4.1: 9 of 1,609,852 alleles (0.00056%); highest among the groups gnomAD compares: Non-Finnish European, 0.00076%; no homozygotes.

Submissions (3):

Labcorp Genetics (formerly Invitae), Labcorp
Classification: Uncertain significance for DICER1-related tumor predisposition. Last evaluated: 2025-12-21. Review status: criteria provided, single submitter. Criteria: Invitae Variant Classification Sherloc (09022015). Collection method: clinical testing. Allele origin: germline.
Comment: This sequence change replaces alanine, which is neutral and non-polar, with valine, which is neutral and non-polar, at codon 1409 of the DICER1 protein (p.Ala1409Val). This variant is present in population databases (no rsID available, gnomAD 0.007%). This variant has not been reported in the literature in individuals affected with DICER1-related conditions. ClinVar contains an entry for this variant (Variation ID: 959100). Invitae Evidence Modeling of protein sequence and biophysical properties (such as structural, functional, and spatial information, amino acid conservation, physicochemical variation, residue mobility, and thermodynamic stability) indicates that this missense variant is not expected to disrupt DICER1 protein function with a negative predictive value of 95%. RNA analysis performed to evaluate the impact of this missense change on mRNA splicing indicates it does not significantly alter splicing (internal data). In summary, the available evidence is currently insufficient to determine the role of this variant in disease. Therefore, it has been classified as a Variant of Uncertain Significance.

Ambry Genetics
Classification: Uncertain significance for Hereditary cancer-predisposing syndrome. Last evaluated: 2025-09-04. Review status: criteria provided, single submitter. Criteria: Ambry Variant Classification Scheme 2023. Collection method: clinical testing. Allele origin: germline.
Comment: The p.A1409V variant (also known as c.4226C>T), located in coding exon 22 of the DICER1 gene, results from a C to T substitution at nucleotide position 4226. The alanine at codon 1409 is replaced by valine, an amino acid with similar properties. This amino acid position is highly conserved in available vertebrate species. In addition, the in silico prediction for this alteration is inconclusive. Based on the available evidence, the clinical significance of this variant remains unclear.

PreventionGenetics, part of Exact Sciences
Classification: Uncertain significance for DICER1-related condition. Last evaluated: 2024-03-20. Review status: no assertion criteria provided. Collection method: clinical testing. Allele origin: germline. Not counted in ClinVar's aggregate classification.
Comment: The DICER1 c.4226C>T variant is predicted to result in the amino acid substitution p.Ala1409Val. To our knowledge, this variant has not been reported in the literature. This variant is reported in 0.0065% of alleles in individuals of European (Non-Finnish) descent in gnomAD. This variant is interpreted as a variant of uncertain significance in ClinVar. At this time, the clinical significance of this variant is uncertain due to the absence of conclusive functional and genetic evidence.